The following is an entry in ClinVar:

ClinVar aggregate classification (germline): Uncertain significance (1 of 4 stars; one submission).

gnomAD v4.1: 2 of 1,210,729 alleles (0.00017%); highest among the groups gnomAD compares: Non-Finnish European, 0.00022%; no homozygotes.

Submission:

Ambry Genetics
Classification: Uncertain significance. Last evaluated: 2025-10-23. Review status: criteria provided, single submitter. Criteria: Ambry Variant Classification Scheme 2023. Collection method: clinical testing. Allele origin: germline.
Comment: The c.141G>A (p.M47I) alteration is located in exon 6 (coding exon 1) of the GPRASP1 gene. This alteration results from a G to A substitution at nucleotide position 141, causing the methionine (M) at amino acid position 47 to be replaced by an isoleucine (I). Based on data from gnomAD, the A allele has an overall frequency of <0.001% (1/183481) total alleles studied. The highest observed frequency was 0.001% (1/81936) of European (non-Finnish) alleles. Based on insufficient or conflicting evidence, the clinical significance of this alteration remains unclear.

NM_001184727.2(GPRASP1):c.141G>A (p.Met47Ile)

Genes: ARMCX5-GPRASP2 (ARMCX5-GPRASP2 readthrough; plus strand), GPRASP1 (G protein-coupled receptor associated sorting protein 1; plus strand). Cytogenetic location: Xq22.1.
Variant type: single nucleotide variant.
Coding change: c.141G>A on transcript NM_001184727.2 (MANE Select); coding-DNA position 141, G replaced by A.
Protein change: p.Met47Ile; replaces methionine 47 with isoleucine.
Molecular consequence: missense variant. On other transcripts: intron variant (2).
Genome position (GRCh38, 1-based): chrX:102,654,054, G>A. VCF-style: chrX-102654054-G-A. GRCh37 (hg19) VCF-style: chrX-101908982-G-A.
Other names: c.141G>A, p.Met47Ile (NM_001099410.2, NM_001099411.2, NM_014710.5); c.-480+48401G>A (NM_001199818.1); c.-966+48401G>A (NM_001350268.2); short protein forms M47I.
Identifiers: ClinVar variation 4673474 (VCV004673474.1).